The following is an entry in ClinVar:

NM_014000.3(VCL):c.1537G>A (p.Gly513Arg)

Gene: VCL (vinculin; plus strand). Cytogenetic location: 10q22.2.
Variant type: single nucleotide variant.
Coding change: c.1537G>A on transcript NM_014000.3 (MANE Select); coding-DNA position 1537, G replaced by A.
Protein change: p.Gly513Arg; replaces glycine 513 with arginine.
Molecular consequence: missense variant.
Genome position (GRCh38, 1-based): chr10:74,094,455, G>A. VCF-style: chr10-74094455-G-A. GRCh37 (hg19) VCF-style: chr10-75854213-G-A.
Other names: c.1537G>A, p.Gly513Arg (NM_003373.4); short protein forms G513R.
Identifiers: ClinVar variation 2574936 (VCV002574936.1), dbSNP rs2549225454, ClinGen allele CA377274026.

ClinVar aggregate classification (germline): Uncertain significance (1 of 4 stars; one submission).

Submission:

GeneDx
Classification: Uncertain significance. Last evaluated: 2023-02-06. Review status: criteria provided, single submitter. Criteria: GeneDx Variant Classification Process June 2021. Collection method: clinical testing. Allele origin: germline. Affected: yes.
Comment: Has not been previously published as pathogenic or benign to our knowledge; Not observed at significant frequency in large population cohorts (gnomAD); In silico analysis supports that this missense variant has a deleterious effect on protein structure/function